The following is an entry in ClinVar:

NM_003500.4(ACOX2):c.1113C>T (p.Ser371=)

Gene: ACOX2 (acyl-CoA oxidase 2; minus strand). Cytogenetic location: 3p14.3.
Variant type: single nucleotide variant.
Coding change: c.1113C>T on transcript NM_003500.4 (MANE Select); coding-DNA position 1113, C replaced by T.
Protein change: p.Ser371=; no amino-acid change (serine 371 retained).
Molecular consequence: synonymous variant.
Genome position (GRCh38, 1-based): chr3:58,528,836, G>A on the plus strand (C>T on the coding strand, the complement: ACOX2 is on the minus strand). VCF-style: chr3-58528836-G-A. GRCh37 (hg19) VCF-style: chr3-58514563-G-A.
Identifiers: ClinVar variation 3356353 (VCV003356353.1).

ClinVar aggregate classification (germline): Likely benign (0 of 4 stars; one submission).

Conditions:
ACOX2-related disorder. Also called: ACOX2-related condition.

Submission:

PreventionGenetics, part of Exact Sciences
Classification: Likely benign for ACOX2-related condition. Last evaluated: 2024-08-26. Review status: no assertion criteria provided. Collection method: clinical testing. Allele origin: germline.
Comment: This variant is classified as likely benign based on ACMG/AMP sequence variant interpretation guidelines (Richards et al. 2015 PMID: 25741868, with internal and published modifications).